The following is an entry in ClinVar:

ClinVar aggregate classification (germline): Uncertain significance. Review status: criteria provided, multiple submitters, no conflicts (2 of 4 stars). 5 submissions from 5 submitters: Uncertain significance (5). Last evaluated 2026-08-10.

Conditions:
SEMA3E-related disorder. Also called: SEMA3E-related condition.
Hypogonadotropic hypogonadism 7 with or without anosmia (HH7). Also called: HYPOGONADOTROPIC HYPOGONADISM 7 WITHOUT ANOSMIA; GNRHR-Related GnRH Deficiency. Identifiers: Orphanet 432, MedGen C0342384, MONDO:0007794, OMIM 146110.
CHARGE syndrome (CHARGE). Also called: Hittner Hirsch Kreh syndrome; Coloboma, heart anomaly, choanal atresia, retardation, genital and ear anomalies; CHARGE association; Hall-Hittner syndrome; CHARGE ASSOCIATION--COLOBOMA, HEART ANOMALY, CHOANAL ATRESIA, RETARDATION, GENITAL AND EAR ANOMALIES. Identifiers: Orphanet 138, MedGen C0265354, MONDO:0008965.

Allele frequency attached by ClinVar (database versions not stated): TOPMed 0.00001; ESP Exome Variant Server 0.00008; 1000 Genomes Project 30x 0.00016; 1000 Genomes Project 0.00020.
gnomAD v4.1: 33 of 1,612,594 alleles (0.002%); highest among the groups gnomAD compares: East Asian, 0.02%; no homozygotes.

Submissions (5):

PreventionGenetics, part of Exact Sciences
Classification: Uncertain significance for SEMA3E-related condition. Last evaluated: 2026-08-10. Review status: criteria provided, single submitter. Criteria: ACMG Guidelines, 2015. Collection method: clinical testing. Allele origin: germline.
Comment: The SEMA3E c.1498C>T variant is predicted to result in the amino acid substitution p.Arg500Trp. This variant has been reported in an individual with pituitary stalk interruption syndrome (Brauner et al 2020. PubMed ID: 33270637) and also in an individual with congenital hypogonadotropic hypogonadism (Zhang et al. 2021. PubMed ID: 34348883). This variant is reported in 0.022% of alleles in individuals of East Asian descent in gnomAD. At this time, the clinical significance of this variant is uncertain due to the absence of conclusive functional and genetic evidence.

GeneDx
Classification: Uncertain significance. Last evaluated: 2025-12-06. Review status: criteria provided, single submitter. Criteria: GeneDx Variant Classification Process June 2021. Collection method: clinical testing. Allele origin: germline. Affected: yes.
Comment: Observed in a proband with Kallman syndrome, congenital hypogonadotrophic hypogonadism, cryptorchidism, azoospermia, olfactory nerve center maldevelopment, and vitiligo, but familial segregation information was not included (PMID: 34348883); Observed in a proband with pituitary stalk interruption syndrome with decreased growth rate, deficiency of thyrotropin, Fanconi syndrome, microphthalmia, and cryptorchidism, but familial segregation information was not included and the proband was reported to have potentially causative variants in other genes (PMID: 33270637); In silico analysis supports that this missense variant has a deleterious effect on protein structure/function; Variants in candidate genes are classified as variants of uncertain significance in accordance with ACMG guidelines (PMID: 25741868); This variant is associated with the following publications: (PMID: 34348883, 33270637)

Labcorp Genetics (formerly Invitae), Labcorp
Classification: Uncertain significance for CHARGE syndrome. Last evaluated: 2025-11-03. Review status: criteria provided, single submitter. Criteria: Invitae Variant Classification Sherloc (09022015). Collection method: clinical testing. Allele origin: germline.
Comment: This sequence change replaces arginine, which is basic and polar, with tryptophan, which is neutral and slightly polar, at codon 500 of the SEMA3E protein (p.Arg500Trp). This variant is present in population databases (rs111300014, gnomAD 0.02%). This missense change has been observed in individual(s) with clinical features of Kallmann syndrome (PMID: 34348883). ClinVar contains an entry for this variant (Variation ID: 575377). An algorithm developed to predict the effect of missense changes on protein structure and function (PolyPhen-2) suggests that this variant is likely to be disruptive. In summary, the available evidence is currently insufficient to determine the role of this variant in disease. Therefore, it has been classified as a Variant of Uncertain Significance.

Clinical Genetics Laboratory, Skane University Hospital Lund
Classification: Uncertain significance. Last evaluated: 2022-06-30. Review status: criteria provided, single submitter. Criteria: ACMG Guidelines, 2015. Collection method: clinical testing. Allele origin: germline. Affected: yes.

Fulgent Genetics
Classification: Uncertain significance for Hypogonadotropic hypogonadism 7 with or without anosmia; CHD7-related CHARGE syndrome. Last evaluated: 2022-05-11. Review status: criteria provided, single submitter. Criteria: ACMG Guidelines, 2015. Collection method: clinical testing. Allele origin: unknown.

Literature cited by the submitters: PubMed 34348883 (cited by Labcorp Genetics (formerly Invitae), Labcorp).

NM_012431.3(SEMA3E):c.1498C>T (p.Arg500Trp)

Gene: SEMA3E (semaphorin 3E; minus strand). Cytogenetic location: 7q21.11.
Variant type: single nucleotide variant.
Coding change: c.1498C>T on transcript NM_012431.3 (MANE Select); coding-DNA position 1498, C replaced by T.
Protein change: p.Arg500Trp; replaces arginine 500 with tryptophan.
Molecular consequence: missense variant.
Genome position (GRCh38, 1-based): chr7:83,394,299, G>A on the plus strand (C>T on the coding strand, the complement: SEMA3E is on the minus strand). VCF-style: chr7-83394299-G-A. GRCh37 (hg19) VCF-style: chr7-83023615-G-A.
Other names: c.1318C>T, p.Arg440Trp (NM_001178129.2); short protein forms R500W, R440W.
Identifiers: ClinVar variation 575377 (VCV000575377.18), dbSNP rs111300014, ClinGen allele CA4322005.